The following is an entry in ClinVar:

ClinVar aggregate classification (germline): Uncertain significance (1 of 4 stars; one submission).

Submission:

Dasa
Classification: Uncertain significance. Last evaluated: 2025-07-04. Review status: criteria provided, single submitter. Criteria: DASA Assertion Criteria. Collection method: clinical testing. Allele origin: germline.
Comment: NM_001375524.1(TRRAP):c.1417C>T (p.Pro473Ser) is a missense variant that results in the substitution of proline with serine. This variant is absent from population databases. Computational prediction algorithms are consistent with a benign effect. The currently available literature and clinical evidence are not sufficient to establish a definitive association between this variant and the reported condition. Therefore, this variant is classified as a variant of uncertain significance.

NM_001375524.1(TRRAP):c.1417C>T (p.Pro473Ser)

Gene: TRRAP (transformation/transcription domain associated protein; plus strand). Cytogenetic location: 7q22.1.
Variant type: single nucleotide variant.
Coding change: c.1417C>T on transcript NM_001375524.1 (MANE Select); coding-DNA position 1417, C replaced by T.
Protein change: p.Pro473Ser; replaces proline 473 with serine.
Molecular consequence: missense variant.
Genome position (GRCh38, 1-based): chr7:98,910,122, C>T. VCF-style: chr7-98910122-C-T. GRCh37 (hg19) VCF-style: chr7-98507745-C-T.
Other names: c.1417C>T, p.Pro473Ser (NM_001244580.2, NM_003496.4); short protein forms P473S.
Identifiers: ClinVar variation 4885010 (VCV004885010.2).